The following is an entry in ClinVar:

ClinVar aggregate classification (germline): Uncertain significance. Review status: criteria provided, multiple submitters, no conflicts (2 of 4 stars). 2 submissions from 2 submitters: Uncertain significance (2). Last evaluated 2022-10-26.

Allele frequency attached by ClinVar (database versions not stated): ExAC 0.00001; gnomAD exomes 0.00001; gnomAD 0.00003; TOPMed 0.00003.
gnomAD v4.1: 14 of 1,613,792 alleles (0.00087%); highest among the groups gnomAD compares: African/African-American, 0.0027%; no homozygotes.

Submissions (2):

Blueprint Genetics
Classification: Uncertain significance. Last evaluated: 2022-10-26. Review status: criteria provided, single submitter. Criteria: ACMG Guidelines, 2015. Collection method: clinical testing. Allele origin: germline.

Labcorp Genetics (formerly Invitae), Labcorp
Classification: Uncertain significance. Last evaluated: 2022-06-20. Review status: criteria provided, single submitter. Criteria: Invitae Variant Classification Sherloc (09022015). Collection method: clinical testing. Allele origin: germline.
Comment: This sequence change replaces threonine, which is neutral and polar, with alanine, which is neutral and non-polar, at codon 527 of the SLC24A1 protein (p.Thr527Ala). This variant is not present in population databases (gnomAD no frequency). This variant has not been reported in the literature in individuals affected with SLC24A1-related conditions. Algorithms developed to predict the effect of missense changes on protein structure and function are either unavailable or do not agree on the potential impact of this missense change (SIFT: "Deleterious"; PolyPhen-2: "Possibly Damaging"; Align-GVGD: "Class C0"). In summary, the available evidence is currently insufficient to determine the role of this variant in disease. Therefore, it has been classified as a Variant of Uncertain Significance.

NM_004727.3(SLC24A1):c.1579A>G (p.Thr527Ala)

Gene: SLC24A1 (solute carrier family 24 member 1; plus strand). Cytogenetic location: 15q22.31.
Variant type: single nucleotide variant.
Coding change: c.1579A>G on transcript NM_004727.3 (MANE Select); coding-DNA position 1579, A replaced by G.
Protein change: p.Thr527Ala; replaces threonine 527 with alanine.
Molecular consequence: missense variant.
Genome position (GRCh38, 1-based): chr15:65,625,659, A>G. VCF-style: chr15-65625659-A-G. GRCh37 (hg19) VCF-style: chr15-65917997-A-G.
Other names: c.1579A>G, p.Thr527Ala (NM_001301031.1, NM_001301032.1, NM_001301033.2); short protein forms T527A.
Identifiers: ClinVar variation 1513927 (VCV001513927.6), dbSNP rs781098884, ClinGen allele CA7619937.